The following is an entry in ClinVar:

ClinVar aggregate classification (germline): Uncertain significance (1 of 4 stars; one submission).

Conditions:
Combined immunodeficiency due to LRBA deficiency. Also called: Common variable immunodeficiency 8, with autoimmunity. Identifiers: Orphanet 445018, MedGen C3553512, MONDO:0013863, OMIM 614700.

gnomAD v4.1: 82 of 1,605,804 alleles (0.0051%); highest among the groups gnomAD compares: Middle Eastern, 0.017%; no homozygotes.

Submission:

Labcorp Genetics (formerly Invitae), Labcorp
Classification: Uncertain significance for Combined immunodeficiency due to LRBA deficiency. Last evaluated: 2022-07-29. Review status: criteria provided, single submitter. Criteria: Invitae Variant Classification Sherloc (09022015). Collection method: clinical testing. Allele origin: germline.
Comment: This sequence change falls in intron 3 of the LRBA gene. It does not directly change the encoded amino acid sequence of the LRBA protein. It affects a nucleotide within the consensus splice site. This variant is present in population databases (rs746049932, gnomAD 0.005%). This variant has not been reported in the literature in individuals affected with LRBA-related conditions. ClinVar contains an entry for this variant (Variation ID: 1450904). Variants that disrupt the consensus splice site are a relatively common cause of aberrant splicing (PMID: 17576681, 9536098). Algorithms developed to predict the effect of sequence changes on RNA splicing suggest that this variant is not likely to affect RNA splicing. In summary, the available evidence is currently insufficient to determine the role of this variant in disease. Therefore, it has been classified as a Variant of Uncertain Significance.

Literature cited by the submitters: PubMed 17576681; PubMed 9536098.

NM_001364905.1(LRBA):c.448+6A>G

Gene: LRBA (LPS responsive beige-like anchor protein; minus strand). Cytogenetic location: 4q31.3.
Variant type: single nucleotide variant.
Coding change: c.448+6A>G on transcript NM_001364905.1 (MANE Select); 6 bases into the intron after coding-DNA position 448, A replaced by G.
Molecular consequence: intron variant.
Genome position (GRCh38, 1-based): chr4:150,928,828, T>C on the plus strand (A>G on the coding strand, the complement: LRBA is on the minus strand). VCF-style: chr4-150928828-T-C. GRCh37 (hg19) VCF-style: chr4-151849980-T-C.
Other names: c.448+6A>G (NM_001367550.1, NM_006726.5, NM_001199282.3 and 2 more transcripts).
Identifiers: ClinVar variation 1450904 (VCV001450904.3), dbSNP rs746049932, ClinGen allele CA3103884.